The following is an entry in ClinVar:

ClinVar aggregate classification (germline): Benign. Review status: criteria provided, multiple submitters, no conflicts (2 of 4 stars). 6 submissions from 4 submitters: Benign (6). Last evaluated 2021-08-10.

Conditions:
Autosomal dominant nonsyndromic hearing loss 28. Identifiers: Orphanet 90635, MedGen C1837640, MONDO:0012083, OMIM 608641.
Corneal dystrophy, posterior polymorphous, 4. Identifiers: MedGen C4747961, MONDO:0054832, OMIM 618031.
Nail and teeth abnormalities-marginal palmoplantar keratoderma-oral hyperpigmentation syndrome. Also called: Ectodermal dysplasia/short stature syndrome. Identifiers: Orphanet 423454, MedGen C4014987, MONDO:0014460, OMIM 616029.

Allele frequency attached by ClinVar (database versions not stated): 1000 Genomes Project 0.96126; 1000 Genomes Project 30x 0.96127; gnomAD exomes 0.96946 and 0.99059; ExAC 0.97426; TOPMed 0.98058; gnomAD 0.98675 and 0.98894; ESP Exome Variant Server 0.99854.
gnomAD v4.1: 1,596,952 of 1,612,880 alleles (99%); highest among the groups gnomAD compares: Non-Finnish European, 100%; 791,254 homozygotes.

Submissions (6):

Genome-Nilou Lab
Classification: Benign for Corneal dystrophy, posterior polymorphous, 4. Last evaluated: 2021-08-10. Review status: criteria provided, single submitter. Criteria: ACMG Guidelines, 2015. Collection method: clinical testing. Allele origin: germline. Affected: no.

Genome-Nilou Lab
Classification: Benign for Autosomal dominant nonsyndromic hearing loss 28. Last evaluated: 2021-08-10. Review status: criteria provided, single submitter. Criteria: ACMG Guidelines, 2015. Collection method: clinical testing. Allele origin: germline. Affected: no.

Genome-Nilou Lab
Classification: Benign for Nail and teeth abnormalities-marginal palmoplantar keratoderma-oral hyperpigmentation syndrome. Last evaluated: 2021-08-10. Review status: criteria provided, single submitter. Criteria: ACMG Guidelines, 2015. Collection method: clinical testing. Allele origin: germline. Affected: no.

Mendelics
Classification: Benign for Corneal dystrophy, posterior polymorphous, 4. Last evaluated: 2019-05-28. Review status: criteria provided, single submitter. Criteria: Mendelics Assertion Criteria 2017. Collection method: clinical testing. Allele origin: unknown.

GeneDx
Classification: Benign. Last evaluated: 2017-05-09. Review status: criteria provided, single submitter. Criteria: GeneDx Variant Classification (06012015). Collection method: clinical testing. Allele origin: germline. Affected: yes.
Comment: This variant is considered likely benign or benign based on one or more of the following criteria: it is a conservative change, it occurs at a poorly conserved position in the protein, it is predicted to be benign by multiple in silico algorithms, and/or has population frequency not consistent with disease.

Breakthrough Genomics
Classification: Benign. Review status: criteria provided, single submitter. Criteria: ACMG Guidelines, 2015. Collection method: not provided. Allele origin: germline. Inheritance: Autosomal recessive inheritance. Affected: yes.

NM_024915.4(GRHL2):c.-24C>G

Gene: GRHL2 (grainyhead like transcription factor 2; plus strand). Cytogenetic location: 8q22.3.
Variant type: single nucleotide variant.
Coding change: c.-24C>G on transcript NM_024915.4 (MANE Select); 24 bases upstream of the start codon, C replaced by G.
Molecular consequence: 5 prime UTR variant.
Genome position (GRCh38, 1-based): chr8:101,492,746, C>G. VCF-style: chr8-101492746-C-G. GRCh37 (hg19) VCF-style: chr8-102504974-C-G.
Other names: c.-132C>G (NM_001330593.2).
Identifiers: ClinVar variation 508097 (VCV000508097.5), dbSNP rs515622, ClinGen allele CA4830174.